The following is an entry in ClinVar:

ClinVar aggregate classification (germline): Likely pathogenic (1 of 4 stars; one submission).

Conditions:
Autosomal recessive limb-girdle muscular dystrophy type 2J (LGMDR10). Also called: MUSCULAR DYSTROPHY, LIMB-GIRDLE, AUTOSOMAL RECESSIVE 10; Limb-girdle muscular dystrophy, type 2J. Identifiers: Orphanet 140922, MedGen C1837342, MONDO:0012127, OMIM 608807.

Submission:

Broad Center for Mendelian Genomics, Broad Institute of MIT and Harvard
Classification: Likely pathogenic for Autosomal recessive limb-girdle muscular dystrophy type 2J. Last evaluated: 2023-05-02. Review status: criteria provided, single submitter. Criteria: ACMG Guidelines, 2015. Collection method: curation. Allele origin: germline. Inheritance: Autosomal recessive inheritance.
Comment: The p.Glu10759ArgfsTer12 variant in TTN has not been previously reported in individuals with autosomal recessive limb girdle muscular dystrophy 10. This variant was absent from large population studies. This variant is predicted to cause a frameshift, which alters the protein‚Äôs amino acid sequence beginning at position 10759 and leads to a premature termination codon 12 amino acids downstream. This alteration is then predicted to lead to a truncated or absent protein. Loss of function of the TTN gene is an established disease mechanism in autosomal recessive limb girdle muscular dystrophy 10. In summary, although additional studies are required to fully establish its clinical significance, this variant is likely pathogenic for autosomal recessive limb girdle muscular dystrophy 10. ACMG/AMP Criteria applied: PVS1, PM2_Supporting (Richards 2015).

NM_001267550.2(TTN):c.32274_32277del (p.Glu10759fs)

Gene: TTN (titin; minus strand). Cytogenetic location: 2q31.2.
Variant type: Microsatellite.
Coding change: c.32274_32277del on transcript NM_001267550.2 (MANE Select); coding-DNA positions 32274 to 32277, 4 bases deleted (AGAG; older notation c.32274_32277delAGAG).
Protein change: p.Glu10759fs; shifts the reading frame from glutamic acid 10759.
Molecular consequence: frameshift variant. On other transcripts: intron variant (3).
Genome position (GRCh38, 1-based): chr2:178,688,145-178,688,148, CTCT deleted on the plus strand (AGAG on the coding strand, the reverse complement: TTN is on the minus strand); deleting any 4 consecutive bases within chr2:178,688,145-178,688,150 gives the same sequence; the c. name uses the placement nearest the transcript's 3' end. VCF-style (leftmost placement, unchanged base first): chr2-178688144-CCTCT-C. GRCh37 (hg19) VCF-style: chr2-179552871-CCTCT-C.
Other names: NM_133437.4:c.13859-45831_13859-45828del; c.31323_31326del, p.Glu10442fs (NM_001256850.1); c.28542_28545del, p.Glu9515fs (NM_133378.4); c.13283-45831_13283-45828del (NM_003319.4); c.13859-45831_13859-45828del (NM_133437.4); c.13658-45831_13658-45828del (NM_133432.3); short protein forms E10442fs, E10759fs, E9515fs.
Identifiers: ClinVar variation 2500880 (VCV002500880.1), dbSNP rs2154277302, ClinGen allele CA2573334558.
Genomic context (GRCh38, chr2:178,688,144, plus strand): 5'-CATCTCTAGCTTATTTGCATTGTTTACCTTCATATTCTGTAACCTCTGCTTCTTCCTCCT[CCTCT>C]CTTTCTTCTTCTCTATAAACTGAAATGGACACACCTTCCTCCTCTTCTGAGTAACTCCAT-3'